The following is an entry in ClinVar:

ClinVar aggregate classification (germline): Pathogenic (1 of 4 stars; one submission).

Submission:

Labcorp Genetics (formerly Invitae), Labcorp
Classification: Pathogenic. Last evaluated: 2022-11-19. Review status: criteria provided, single submitter. Criteria: Invitae Variant Classification Sherloc (09022015). Collection method: clinical testing. Allele origin: germline.
Comment: This sequence change affects an acceptor splice site in intron 16 of the USH2A gene. It is expected to disrupt RNA splicing. Variants that disrupt the donor or acceptor splice site typically lead to a loss of protein function (PMID: 16199547), and loss-of-function variants in USH2A are known to be pathogenic (PMID: 10729113, 10909849, 20507924, 25649381). For these reasons, this variant has been classified as Pathogenic. Algorithms developed to predict the effect of sequence changes on RNA splicing suggest that this variant may disrupt the consensus splice site. Disruption of this splice site has been observed in individual(s) with Usher syndrome (PMID: 17405132). In at least one individual the data is consistent with being in trans (on the opposite chromosome) from a pathogenic variant. This variant is not present in population databases (gnomAD no frequency).

Literature cited by the submitters: PubMed 16199547; PubMed 10729113; PubMed 10909849; PubMed 20507924; PubMed 25649381; PubMed 17405132.

NM_206933.4(USH2A):c.3317-2A>C

Genes: USH2A (usherin; minus strand), USH2A-AS1 (USH2A antisense RNA 1; plus strand). Cytogenetic location: 1q41.
Variant type: single nucleotide variant.
Coding change: c.3317-2A>C on transcript NM_206933.4 (MANE Select); the canonical splice acceptor site of the intron before coding-DNA position 3317, A replaced by C.
Molecular consequence: splice acceptor variant.
Genome position (GRCh38, 1-based): chr1:216,200,123, T>G on the plus strand (A>C on the coding strand, the complement: USH2A is on the minus strand). VCF-style: chr1-216200123-T-G. GRCh37 (hg19) VCF-style: chr1-216373465-T-G.
Other names: c.3317-2A>C (NM_007123.6).
Identifiers: ClinVar variation 2815291 (VCV002815291.3), dbSNP rs2034951427, ClinGen allele CA344869189.